The following is an entry in ClinVar:

ClinVar aggregate classification (germline): Uncertain significance (1 of 4 stars; one submission).

Conditions:
Cornelia de Lange syndrome 1 (CDLS1). Also called: Brachmann de Lange syndrome; NIPBL-Related Cornelia de Lange Syndrome; TYPUS DEGENERATIVUS AMSTELODAMENSIS. Identifiers: Orphanet 199, MedGen C4551851, MONDO:0007387, OMIM 122470.

gnomAD v4.1: 4 of 1,614,114 alleles (0.00025%); highest among the groups gnomAD compares: South Asian, 0.0022%; no homozygotes.

Submission:

Labcorp Genetics (formerly Invitae), Labcorp
Classification: Uncertain significance for Cornelia de Lange syndrome 1. Last evaluated: 2025-12-01. Review status: criteria provided, single submitter. Criteria: Invitae Variant Classification Sherloc (09022015). Collection method: clinical testing. Allele origin: germline.
Comment: This sequence change replaces serine, which is neutral and polar, with glycine, which is neutral and non-polar, at codon 194 of the NIPBL protein (p.Ser194Gly). This variant is present in population databases (no rsID available, gnomAD 0.003%). This variant has not been reported in the literature in individuals affected with NIPBL-related conditions. Invitae Evidence Modeling of protein sequence and biophysical properties (such as structural, functional, and spatial information, amino acid conservation, physicochemical variation, residue mobility, and thermodynamic stability) indicates that this missense variant is not expected to disrupt NIPBL protein function with a negative predictive value of 95%. In summary, the available evidence is currently insufficient to determine the role of this variant in disease. Therefore, it has been classified as a Variant of Uncertain Significance.

NM_133433.4(NIPBL):c.580A>G (p.Ser194Gly)

Gene: NIPBL (NIPBL cohesin loading factor; plus strand). Cytogenetic location: 5p13.2.
Variant type: single nucleotide variant.
Coding change: c.580A>G on transcript NM_133433.4 (MANE Select); coding-DNA position 580, A replaced by G.
Protein change: p.Ser194Gly; replaces serine 194 with glycine.
Molecular consequence: missense variant.
Genome position (GRCh38, 1-based): chr5:36,962,244, A>G. VCF-style: chr5-36962244-A-G. GRCh37 (hg19) VCF-style: chr5-36962346-A-G.
Other names: c.580A>G, p.Ser194Gly (NM_001438586.1, NM_015384.5); short protein forms S194G.
Identifiers: ClinVar variation 4717053 (VCV004717053.1).